The following is an entry in ClinVar:

ClinVar aggregate classification (germline): Likely benign. Review status: criteria provided, multiple submitters, no conflicts (2 of 4 stars). 3 submissions from 3 submitters: Likely benign (2). 1 of the submissions does not count toward it. Last evaluated 2022-08-16.

Conditions:
PROM1-related disorder. Also called: PROM1-related disorders; PROM1-related condition.

Allele frequency attached by ClinVar (database versions not stated): gnomAD exomes below 0.00001 and 0.00001; ExAC 0.00001; TOPMed 0.00001; gnomAD 0.00003; ESP Exome Variant Server 0.00008.
gnomAD v4.1: 20 of 1,610,424 alleles (0.0012%); highest among the groups gnomAD compares: African/African-American, 0.0027%; no homozygotes.

Submissions (3):

Labcorp Genetics (formerly Invitae), Labcorp
Classification: Likely benign. Last evaluated: 2022-08-16. Review status: criteria provided, single submitter. Criteria: Invitae Variant Classification Sherloc (09022015). Collection method: clinical testing. Allele origin: germline.

Blueprint Genetics
Classification: Likely benign. Last evaluated: 2021-06-10. Review status: criteria provided, single submitter. Criteria: ACMG Guidelines, 2015. Collection method: clinical testing. Allele origin: germline.

PreventionGenetics, part of Exact Sciences
Classification: Likely benign for PROM1-related condition. Last evaluated: 2019-08-13. Review status: no assertion criteria provided. Collection method: clinical testing. Allele origin: germline. Not counted in ClinVar's aggregate classification.
Comment: This variant is classified as likely benign based on ACMG/AMP sequence variant interpretation guidelines (Richards et al. 2015 PMID: 25741868, with internal and published modifications).

NM_006017.3(PROM1):c.808T>C (p.Leu270=)

Gene: PROM1 (prominin 1; minus strand). Cytogenetic location: 4p15.32.
Variant type: single nucleotide variant.
Coding change: c.808T>C on transcript NM_006017.3 (MANE Select); coding-DNA position 808, T replaced by C.
Protein change: p.Leu270=; no amino-acid change (leucine 270 retained).
Molecular consequence: synonymous variant.
Genome position (GRCh38, 1-based): chr4:16,018,517, A>G on the plus strand (T>C on the coding strand, the complement: PROM1 is on the minus strand). VCF-style: chr4-16018517-A-G. GRCh37 (hg19) VCF-style: chr4-16020140-A-G.
Other names: c.808T>C (NM_006017.2); c.781T>C, p.Leu261= (NM_001145847.2, NM_001145848.2, NM_001145851.2 and 4 more transcripts); c.808T>C, p.Leu270= (NM_001145849.2, NM_001145850.2).
Identifiers: ClinVar variation 1153729 (VCV001153729.12), dbSNP rs368615249, ClinGen allele CA2866941.
Genomic context (GRCh38, chr4:16,018,517, plus strand): 5'-TGCTGCTAAGCTGTGTACTTTGTTGGTGCAAGCTCTTCAAGGTGCTGTTCATGTTCTCCA[A>G]CGCCTCTTTGGTCTCCTTGATCGCTATGGAAACACAGCCCGCTTCAGAACACACATGCCA-3'
Protein context (NP_006008.1, residues 260-280): ATAIKETKEA[Leu270=]ENMNSTLKSL